The following is an entry in ClinVar:

NM_021922.3(FANCE):c.355C>T (p.Gln119Ter)

Gene: FANCE (FA complementation group E; plus strand). Cytogenetic location: 6p21.31.
Variant type: single nucleotide variant.
Coding change: c.355C>T on transcript NM_021922.3 (MANE Select); coding-DNA position 355, C replaced by T.
Protein change: p.Gln119Ter; replaces glutamine 119 with a stop codon.
Molecular consequence: nonsense.
Genome position (GRCh38, 1-based): chr6:35,455,853, C>T. VCF-style: chr6-35455853-C-T. GRCh37 (hg19) VCF-style: chr6-35423630-C-T.
Other names: short protein forms Q119*.
Identifiers: ClinVar variation 8709 (VCV000008709.18), dbSNP rs121434505, ClinGen allele CA254528.

ClinVar aggregate classification (germline): Pathogenic/Likely pathogenic. Review status: criteria provided, multiple submitters, no conflicts (2 of 4 stars). 7 submissions from 7 submitters: Pathogenic (4); Likely pathogenic (1). 2 of the submissions do not count toward it. Last evaluated 2025-04-28.

Conditions:
FANCE-related disorders.
Fanconi anemia complementation group E (FANCE). Also called: FANCE-Related Fanconi Anemia. Identifiers: Orphanet 84, MedGen C3160739, MONDO:0010953, OMIM 600901.

Allele frequency attached by ClinVar (database versions not stated): gnomAD exomes below 0.00001 and 0.00001; gnomAD 0.00001; TOPMed 0.00001; ExAC 0.00002.
gnomAD v4.1: 10 of 1,614,188 alleles (0.00062%); highest among the groups gnomAD compares: Middle Eastern, 0.016%; no homozygotes.

Submissions (7):

Dasa
Classification: Pathogenic. Last evaluated: 2025-04-28. Review status: criteria provided, single submitter. Criteria: DASA Assertion Criteria. Collection method: clinical testing. Allele origin: germline.
Comment: NM_021922.3(FANCE):c.355C>T (p.Gln119*) introduces a premature termination codon predicted to result in loss of normal protein function. Loss-of-function is an established mechanism of disease for this gene. This variant has been observed in affected individuals with related phenotype in a genotype context consistent with recessive disease (PMID: 11001585; PMID: 26689913). This variant has been recurrently observed in individuals with related phenotype (PMID: 11001585; PMID: 26689913). The variant is present at low frequency in population datasets. Based on the available data, this variant is classified as pathogenic.

Labcorp Genetics (formerly Invitae), Labcorp
Classification: Pathogenic for Fanconi anemia complementation group E. Last evaluated: 2024-11-19. Review status: criteria provided, single submitter. Criteria: Invitae Variant Classification Sherloc (09022015). Collection method: clinical testing. Allele origin: germline.
Comment: This sequence change creates a premature translational stop signal (p.Gln119*) in the FANCE gene. It is expected to result in an absent or disrupted protein product. Loss-of-function variants in FANCE are known to be pathogenic (PMID: 11001585, 17924555). This variant is present in population databases (rs121434505, gnomAD 0.006%). This premature translational stop signal has been observed in individual(s) with Fanconi anemia and/or lung adenocarcinoma, brain glioma (PMID: 11001585, 26689913, 29625052). ClinVar contains an entry for this variant (Variation ID: 8709). For these reasons, this variant has been classified as Pathogenic.

Baylor Genetics
Classification: Pathogenic for Fanconi anemia complementation group E. Last evaluated: 2024-02-08. Review status: criteria provided, single submitter. Criteria: ACMG Guidelines, 2015. Collection method: clinical testing. Allele origin: unknown.

Blueprint Genetics
Classification: Likely pathogenic for FANCE-related disorders. Last evaluated: 2023-08-02. Review status: criteria provided, single submitter. Criteria: ACMG Guidelines, 2015. Collection method: clinical testing. Allele origin: germline. Affected: yes. Observed: 5 variant alleles.

Fulgent Genetics
Classification: Pathogenic for Fanconi anemia complementation group E. Last evaluated: 2022-02-24. Review status: criteria provided, single submitter. Criteria: ACMG Guidelines, 2015. Collection method: clinical testing. Allele origin: unknown.

Leiden Open Variation Database
Classification: Pathogenic for Fanconi anemia complementation group E. Last evaluated: 2011-02-07. Review status: no assertion criteria provided. Collection method: curation. Allele origin: germline. Affected: yes. Not counted in ClinVar's aggregate classification.
Comment: Curator: Arleen D. Auerbach. Submitter to LOVD: Johan de Winter.

OMIM
Classification: Pathogenic for FANCONI ANEMIA, COMPLEMENTATION GROUP E. Last evaluated: 2000-11-01. Review status: no assertion criteria provided. Collection method: literature only. Allele origin: germline. Not counted in ClinVar's aggregate classification.

Literature cited by the submitters: PubMed 11001585 (cited by 4 submitters); PubMed 26689913 (cited by Dasa and Labcorp Genetics (formerly Invitae), Labcorp); PubMed 17924555 (cited by Labcorp Genetics (formerly Invitae), Labcorp); PubMed 29625052 (cited by Labcorp Genetics (formerly Invitae), Labcorp); PubMed 9382107 (cited by OMIM).